The following is an entry in ClinVar:

ClinVar aggregate classification (germline): Pathogenic (1 of 4 stars; one submission).

Submission:

Quest Diagnostics Nichols Institute San Juan Capistrano
Classification: Pathogenic. Last evaluated: 2023-06-14. Review status: criteria provided, single submitter. Criteria: ACMG/ClinGen CNV Guidelines, 2019. Collection method: clinical testing. Allele origin: unknown.
Comment: The gain of 8p23.1p22 involves several protein-coding genes and fully encompasses the recurrent region involved in 8p23.1 duplication syndrome, which is associated with a variable clinical presentation (Barber 2015, Okur 2021, Rehm 2015, Weber 2014, Yu 2010). The phenotypic features of this syndrome are proposed to be related to additional copies of the candidate genes SOX7 (OMIM 612202) and GATA4 (Barber 2015, Zhang 2013). Therefore, based on gene content and current medical literature, this copy number variant (CNV) is classified as pathogenic with variable expressivity. _x000D__x000D_ References: Barber et al., Am J Med Genet A. 2015 Sep;167A(9):2052-64. PMID: 26097203 Okur et al., Genet Med. 2021 Dec;23(12):2342-2351. PMID: 34282301 Rehm et al., N Engl J Med. 2015 Jun 4;372(23):2235-42. PMID: 26014595; ISCA-37423 Weber et al., Mol Cytogenet. 2014 Dec 9;7(1):94. PMID: 25520754 Yu et al., Eur J Hum Genet. 2010 Oct;18(10):1114-20. PMID: 20461109_x000D__x000D_

GRCh37/hg19 8p23.1-22(chr8:8093169-14526969)x3

Genes: BLK (BLK proto-oncogene, Src family tyrosine kinase), C8orf48 (chromosome 8 open reading frame 48; plus strand), C8orf74 (chromosome 8 open reading frame 74), CLDN23 (claudin 23), CTSB (cathepsin B) and 31 more. Cytogenetic location: 8p23.1-22.
Variant type: copy number gain.
Change: copy number 3 (three copies instead of two) of chr8:8,093,169-14,526,969 (6.43 Mb, GRCh37 coordinates, 1-based), cytogenetic band 8p23.1-22.
Identifiers: ClinVar variation 2684522 (VCV002684522.1).